The following is an entry in ClinVar:

NM_001256545.2(MEGF10):c.157G>T (p.Asp53Tyr)

Gene: MEGF10 (multiple EGF like domains 10; plus strand). Cytogenetic location: 5q23.2.
Variant type: single nucleotide variant.
Coding change: c.157G>T on transcript NM_001256545.2 (MANE Select); coding-DNA position 157, G replaced by T.
Protein change: p.Asp53Tyr; replaces aspartic acid 53 with tyrosine.
Molecular consequence: missense variant.
Genome position (GRCh38, 1-based): chr5:127,339,160, G>T. VCF-style: chr5-127339160-G-T. GRCh37 (hg19) VCF-style: chr5-126674852-G-T.
Other names: c.157G>T, p.Asp53Tyr (NM_001308119.2, NM_001308121.2, NM_032446.3); short protein forms D53Y.
Identifiers: ClinVar variation 2167071 (VCV002167071.4), dbSNP rs762153742, ClinGen allele CA3391188.

ClinVar aggregate classification (germline): Uncertain significance (1 of 4 stars; one submission).

Conditions:
MEGF10-related myopathy (CMYO10A). Also called: Congenital myopathy 10A, severe variant. Identifiers: Orphanet 439212, MedGen C3280679, MONDO:0013731, OMIM 614399.

Allele frequency attached by ClinVar (database versions not stated): TOPMed below 0.00001; gnomAD 0.00001; ExAC 0.00002.
gnomAD v4.1: 4 of 1,612,300 alleles (0.00025%); highest among the groups gnomAD compares: Admixed American, 0.005%; no homozygotes.

Submission:

Labcorp Genetics (formerly Invitae), Labcorp
Classification: Uncertain significance for MEGF10-related myopathy. Last evaluated: 2025-07-21. Review status: criteria provided, single submitter. Criteria: Invitae Variant Classification Sherloc (09022015). Collection method: clinical testing. Allele origin: germline.
Comment: This sequence change replaces aspartic acid, which is acidic and polar, with tyrosine, which is neutral and polar, at codon 53 of the MEGF10 protein (p.Asp53Tyr). This variant is present in population databases (rs762153742, gnomAD 0.007%). This variant has not been reported in the literature in individuals affected with MEGF10-related conditions. ClinVar contains an entry for this variant (Variation ID: 2167071). An algorithm developed to predict the effect of missense changes on protein structure and function (PolyPhen-2) suggests that this variant is likely to be disruptive. In summary, the available evidence is currently insufficient to determine the role of this variant in disease. Therefore, it has been classified as a Variant of Uncertain Significance.